The following is an entry in ClinVar:

NM_001110556.2(FLNA):c.2033G>A (p.Arg678His)

Gene: FLNA (filamin A; minus strand). Cytogenetic location: Xq28.
Variant type: single nucleotide variant.
Coding change: c.2033G>A on transcript NM_001110556.2 (MANE Select); coding-DNA position 2033, G replaced by A.
Protein change: p.Arg678His; replaces arginine 678 with histidine.
Molecular consequence: missense variant.
Genome position (GRCh38, 1-based): chrX:154,364,362, C>T on the plus strand (G>A on the coding strand, the complement: FLNA is on the minus strand). VCF-style: chrX-154364362-C-T. GRCh37 (hg19) VCF-style: chrX-153592730-C-T.
Other names: c.2033G>A, p.Arg678His (NM_001456.4); short protein forms R678H.
Identifiers: ClinVar variation 643110 (VCV000643110.12), dbSNP rs924631524, ClinGen allele CA337282364.

ClinVar aggregate classification (germline): Uncertain significance. Review status: criteria provided, multiple submitters, no conflicts (2 of 4 stars). 2 submissions from 2 submitters: Uncertain significance (2). Last evaluated 2026-02-13.

Conditions:
Heterotopia, periventricular, X-linked dominant (PVNH1). Also called: PERIVENTRICULAR NODULAR HETEROTOPIA 4; HETEROTOPIA, PERIVENTRICULAR, 1; PERIVENTRICULAR NODULAR HETEROTOPIA 1; X-linked periventricular heterotopia. Identifiers: Orphanet 2149, Orphanet 82004, MedGen C1848213, MONDO:0010233, OMIM 300049.
Oto-palato-digital syndrome, type II (OPD2). Also called: Otopalatodigital Syndrome, Type II; FACIOPALATOOSSEOUS SYNDROME; OPD II SYNDROME; Otopalatodigital Syndrome Type 2 (FLNA-OPD2). Identifiers: Orphanet 669, Orphanet 90652, MedGen C1844696, MONDO:0010571, OMIM 304120.
Melnick-Needles syndrome (MNS). Also called: MELNICK-NEEDLES OSTEODYSPLASTY; OSTEODYSPLASTY OF MELNICK AND NEEDLES; Melnick-Needles Syndrome (FLNA-MNS). Identifiers: Orphanet 2484, MedGen C0025237, MONDO:0010650, OMIM 309350.
Frontometaphyseal dysplasia (FMD1). Identifiers: Orphanet 1826, MedGen C0265293, MONDO:0015942.
Familial thoracic aortic aneurysm and aortic dissection (TAAD). Also called: Thoracic aortic aneurysms and dissections. Identifiers: Orphanet 91387, MedGen C4707243, MONDO:0019625.

Allele frequency attached by ClinVar (database versions not stated): gnomAD 0.00001; gnomAD exomes 0.00002.

Submissions (2):

Ambry Genetics
Classification: Uncertain significance for Familial thoracic aortic aneurysm and aortic dissection. Last evaluated: 2026-02-13. Review status: criteria provided, single submitter. Criteria: Ambry Variant Classification Scheme 2023. Collection method: clinical testing. Allele origin: germline.
Comment: The p.R678H variant (also known as c.2033G>A), located in coding exon 13 of the FLNA gene, results from a G to A substitution at nucleotide position 2033. The arginine at codon 678 is replaced by histidine, an amino acid with highly similar properties. This amino acid position is conserved. In addition, this alteration is predicted to be tolerated by in silico analysis. Based on the available evidence, the clinical significance of this variant remains unclear.

Labcorp Genetics (formerly Invitae), Labcorp
Classification: Uncertain significance for Oto-palato-digital syndrome, type II; Heterotopia, periventricular, X-linked dominant; Frontometaphyseal dysplasia; Melnick-Needles syndrome. Last evaluated: 2025-07-13. Review status: criteria provided, single submitter. Criteria: Invitae Variant Classification Sherloc (09022015). Collection method: clinical testing. Allele origin: germline.
Comment: This sequence change replaces arginine, which is basic and polar, with histidine, which is basic and polar, at codon 678 of the FLNA protein (p.Arg678His). This variant is not present in population databases (gnomAD no frequency). This variant has not been reported in the literature in individuals affected with FLNA-related conditions. ClinVar contains an entry for this variant (Variation ID: 643110). Invitae Evidence Modeling of protein sequence and biophysical properties (such as structural, functional, and spatial information, amino acid conservation, physicochemical variation, residue mobility, and thermodynamic stability) indicates that this missense variant is not expected to disrupt FLNA protein function with a negative predictive value of 95%. In summary, the available evidence is currently insufficient to determine the role of this variant in disease. Therefore, it has been classified as a Variant of Uncertain Significance.